The following is an entry in ClinVar:

NM_130384.3(ATRIP):c.740T>C (p.Phe247Ser)

Genes: ATRIP (ATR interacting protein; plus strand), ATRIP-TREX1 (ATRIP-TREX1 readthrough; plus strand). Cytogenetic location: 3p21.31.
Variant type: single nucleotide variant.
Coding change: c.740T>C on transcript NM_130384.3 (MANE Select); coding-DNA position 740, T replaced by C.
Protein change: p.Phe247Ser; replaces phenylalanine 247 with serine.
Molecular consequence: missense variant. On other transcripts: non-coding transcript variant (1).
Genome position (GRCh38, 1-based): chr3:48,457,327, T>C. VCF-style: chr3-48457327-T-C. GRCh37 (hg19) VCF-style: chr3-48498727-T-C.
Other names: c.359T>C, p.Phe120Ser (NM_001271022.2); c.461T>C, p.Phe154Ser (NM_001271023.2); c.740T>C, p.Phe247Ser (NM_032166.4); short protein forms F120S, F154S, F247S.
Identifiers: ClinVar variation 4182237 (VCV004182237.1).

ClinVar aggregate classification (germline): Uncertain significance (1 of 4 stars; one submission).

Submission:

Ambry Genetics
Classification: Uncertain significance. Last evaluated: 2025-07-28. Review status: criteria provided, single submitter. Criteria: Ambry Variant Classification Scheme 2023. Collection method: clinical testing. Allele origin: germline.
Comment: The p.F247S variant (also known as c.740T>C), located in coding exon 5 of the ATRIP gene, results from a T to C substitution at nucleotide position 740. The phenylalanine at codon 247 is replaced by serine, an amino acid with highly dissimilar properties. This amino acid position is conserved. In addition, the in silico prediction for this alteration is inconclusive. Based on the available evidence, the clinical significance of this variant remains unclear.